The following is an entry in ClinVar:

ClinVar aggregate classification (germline): Uncertain significance. Review status: criteria provided, multiple submitters, no conflicts (2 of 4 stars). 3 submissions from 3 submitters: Uncertain significance (3). Last evaluated 2026-01-06.

Conditions:
Aortic aneurysm, familial thoracic 8 (AAT8). Identifiers: MedGen C3809513, MONDO:0014187, OMIM 615436.
Familial thoracic aortic aneurysm and aortic dissection (TAAD). Also called: Thoracic aortic aneurysms and dissections. Identifiers: Orphanet 91387, MedGen C4707243, MONDO:0019625.

Allele frequency attached by ClinVar (database versions not stated): gnomAD exomes below 0.00001; gnomAD 0.00001.
gnomAD v4.1: 2 of 1,601,686 alleles (0.00012%); highest among the groups gnomAD compares: Non-Finnish European, 0.000085%; no homozygotes.

Submissions (3):

Ambry Genetics
Classification: Uncertain significance for Familial thoracic aortic aneurysm and aortic dissection. Last evaluated: 2026-01-06. Review status: criteria provided, single submitter. Criteria: Ambry Variant Classification Scheme 2023. Collection method: clinical testing. Allele origin: germline.
Comment: The p.I584V variant (also known as c.1750A>G), located in coding exon 15 of the PRKG1 gene, results from an A to G substitution at nucleotide position 1750. The isoleucine at codon 584 is replaced by valine, an amino acid with highly similar properties. This amino acid position is conserved. In addition, this alteration is predicted to be tolerated by in silico analysis. Based on the available evidence, the clinical significance of this variant remains unclear.

Labcorp Genetics (formerly Invitae), Labcorp
Classification: Uncertain significance for Aortic aneurysm, familial thoracic 8. Last evaluated: 2024-09-09. Review status: criteria provided, single submitter. Criteria: Invitae Variant Classification Sherloc (09022015). Collection method: clinical testing. Allele origin: germline.
Comment: This sequence change replaces isoleucine, which is neutral and non-polar, with valine, which is neutral and non-polar, at codon 584 of the PRKG1 protein (p.Ile584Val). This variant is not present in population databases (gnomAD no frequency). This variant has not been reported in the literature in individuals affected with PRKG1-related conditions. ClinVar contains an entry for this variant (Variation ID: 1304480). An algorithm developed to predict the effect of missense changes on protein structure and function (PolyPhen-2) suggests that this variant is likely to be tolerated. In summary, the available evidence is currently insufficient to determine the role of this variant in disease. Therefore, it has been classified as a Variant of Uncertain Significance.

GeneDx
Classification: Uncertain significance. Last evaluated: 2019-01-16. Review status: criteria provided, single submitter. Criteria: GeneDx Variant Classification Process June 2021. Collection method: clinical testing. Allele origin: germline. Affected: yes.
Comment: Not observed in large population cohorts (Lek et al., 2016); In silico analysis, which includes protein predictors and evolutionary conservation, supports that this variant does not alter protein structure/function; Has not been previously published as pathogenic or benign to our knowledge

NM_006258.4(PRKG1):c.1750A>G (p.Ile584Val)

Gene: PRKG1 (protein kinase cGMP-dependent 1; plus strand). Cytogenetic location: 10q21.1.
Variant type: single nucleotide variant.
Coding change: c.1750A>G on transcript NM_006258.4 (MANE Select); coding-DNA position 1750, A replaced by G.
Protein change: p.Ile584Val; replaces isoleucine 584 with valine.
Molecular consequence: missense variant.
Genome position (GRCh38, 1-based): chr10:52,288,766, A>G. VCF-style: chr10-52288766-A-G. GRCh37 (hg19) VCF-style: chr10-54048526-A-G.
Other names: c.1705A>G, p.Ile569Val (NM_001098512.3); c.541A>G, p.Ile181Val (NM_001374781.1); short protein forms I181V, I569V, I584V.
Identifiers: ClinVar variation 1304480 (VCV001304480.5), dbSNP rs1842176037, ClinGen allele CA376536196.